The following is an entry in ClinVar:

ClinVar aggregate classification (germline): Uncertain significance (1 of 4 stars; one submission).

gnomAD v4.1: 8 of 1,614,096 alleles (0.0005%); highest among the groups gnomAD compares: Non-Finnish European, 0.00068%; no homozygotes.

Submission:

Ambry Genetics
Classification: Uncertain significance. Last evaluated: 2026-05-27. Review status: criteria provided, single submitter. Criteria: Ambry Variant Classification Scheme 2023. Collection method: clinical testing. Allele origin: germline.
Comment: The p.D617Y variant (also known as c.1849G>T), located in coding exon 9 of the ATRIP gene, results from a G to T substitution at nucleotide position 1849. The aspartic acid at codon 617 is replaced by tyrosine, an amino acid with highly dissimilar properties. This amino acid position is conserved. In addition, this alteration is predicted to be tolerated by in silico analysis. Based on the available evidence, the clinical significance of this variant remains unclear.

NM_130384.3(ATRIP):c.1849G>T (p.Asp617Tyr)

Genes: ATRIP (ATR interacting protein; plus strand), ATRIP-TREX1 (ATRIP-TREX1 readthrough; plus strand). Cytogenetic location: 3p21.31.
Variant type: single nucleotide variant.
Coding change: c.1849G>T on transcript NM_130384.3 (MANE Select); coding-DNA position 1849, G replaced by T.
Protein change: p.Asp617Tyr; replaces aspartic acid 617 with tyrosine.
Molecular consequence: missense variant. On other transcripts: non-coding transcript variant (1).
Genome position (GRCh38, 1-based): chr3:48,463,848, G>T. VCF-style: chr3-48463848-G-T. GRCh37 (hg19) VCF-style: chr3-48505247-G-T.
Other names: c.1468G>T, p.Asp490Tyr (NM_001271022.2); c.1570G>T, p.Asp524Tyr (NM_001271023.2); c.1849G>T, p.Asp617Tyr (NM_032166.4); short protein forms D490Y, D524Y, D617Y.
Identifiers: ClinVar variation 4867256 (VCV004867256.1).